The following is an entry in ClinVar:

ClinVar aggregate classification (germline): Uncertain significance. Review status: criteria provided, multiple submitters, no conflicts (2 of 4 stars). 2 submissions from 2 submitters: Uncertain significance (2). Last evaluated 2024-12-24.

Conditions:
Hypertrophic cardiomyopathy. Also called: HYPERTROPHIC MYOCARDIOPATHY. Identifiers: Orphanet 217569, MedGen C0007194, MeSH D002312, MONDO:0005045, HP:0001639.
Cardiovascular phenotype. Identifiers: MedGen CN230736.

Submissions (2):

Ambry Genetics
Classification: Uncertain significance for Cardiovascular phenotype. Last evaluated: 2024-12-24. Review status: criteria provided, single submitter. Criteria: Ambry Variant Classification Scheme 2023. Collection method: clinical testing. Allele origin: germline.

Labcorp Genetics (formerly Invitae), Labcorp
Classification: Uncertain significance for Hypertrophic cardiomyopathy. Last evaluated: 2024-08-07. Review status: criteria provided, single submitter. Criteria: Invitae Variant Classification Sherloc (09022015). Collection method: clinical testing. Allele origin: germline.
Comment: This sequence change replaces glutamic acid, which is acidic and polar, with glutamine, which is neutral and polar, at codon 1156 of the MYBPC3 protein (p.Glu1156Gln). This variant is not present in population databases (gnomAD no frequency). This variant has not been reported in the literature in individuals affected with MYBPC3-related conditions. An algorithm developed to predict the effect of missense changes on protein structure and function (PolyPhen-2) suggests that this variant is likely to be tolerated. In summary, the available evidence is currently insufficient to determine the role of this variant in disease. Therefore, it has been classified as a Variant of Uncertain Significance.

NM_000256.3(MYBPC3):c.3466G>C (p.Glu1156Gln)

Gene: MYBPC3 (myosin binding protein C3; minus strand). Cytogenetic location: 11p11.2.
Variant type: single nucleotide variant.
Coding change: c.3466G>C on transcript NM_000256.3 (MANE Select); coding-DNA position 3466, G replaced by C.
Protein change: p.Glu1156Gln; replaces glutamic acid 1156 with glutamine.
Molecular consequence: missense variant.
Genome position (GRCh38, 1-based): chr11:47,332,838, C>G on the plus strand (G>C on the coding strand, the complement: MYBPC3 is on the minus strand). VCF-style: chr11-47332838-C-G. GRCh37 (hg19) VCF-style: chr11-47354389-C-G.
Other names: short protein forms E1156Q.
Identifiers: ClinVar variation 3730146 (VCV003730146.3).